The following is an entry in ClinVar:

ClinVar aggregate classification (germline): Likely benign. Review status: criteria provided, multiple submitters, no conflicts (2 of 4 stars). 2 submissions from 2 submitters: Likely benign (2). Last evaluated 2024-12-13.

Conditions:
ALG9 congenital disorder of glycosylation (CDG1L). Also called: CDG Il; CONGENITAL DISORDER OF GLYCOSYLATION, TYPE Il; ALG9-CDG. Identifiers: Orphanet 79328, MedGen C2931006, MONDO:0012117, OMIM 608776.

Allele frequency attached by ClinVar (database versions not stated): gnomAD 0.00001; gnomAD exomes 0.00001 and 0.00003; TOPMed 0.00001.
gnomAD v4.1: 26 of 1,613,608 alleles (0.0016%); highest among the groups gnomAD compares: Non-Finnish European, 0.00017%; no homozygotes.

Submissions (2):

Labcorp Genetics (formerly Invitae), Labcorp
Classification: Likely benign for ALG9 congenital disorder of glycosylation. Last evaluated: 2024-12-13. Review status: criteria provided, single submitter. Criteria: Invitae Variant Classification Sherloc (09022015). Collection method: clinical testing. Allele origin: germline.

GeneDx
Classification: Likely benign. Last evaluated: 2018-05-23. Review status: criteria provided, single submitter. Criteria: GeneDx Variant Classification (06012015). Collection method: clinical testing. Allele origin: germline. Affected: yes.
Comment: This variant is considered likely benign or benign based on one or more of the following criteria: it is a conservative change, it occurs at a poorly conserved position in the protein, it is predicted to be benign by multiple in silico algorithms, and/or has population frequency not consistent with disease.

NM_024740.2(ALG9):c.1325-11C>G

Gene: ALG9 (ALG9 alpha-1,2-mannosyltransferase; minus strand). Cytogenetic location: 11q23.1.
Variant type: single nucleotide variant.
Coding change: c.1325-11C>G on transcript NM_024740.2 (MANE Select); 11 bases into the intron before coding-DNA position 1325, C replaced by G.
Molecular consequence: intron variant.
Genome position (GRCh38, 1-based): chr11:111,837,626, G>C on the plus strand (C>G on the coding strand, the complement: ALG9 is on the minus strand). VCF-style: chr11-111837626-G-C. GRCh37 (hg19) VCF-style: chr11-111708349-G-C.
Other names: c.791-11C>G (NM_001352409.1, NM_001352410.1, NM_001352412.2 and 6 more transcripts); c.1181-11C>G (NM_001352418.1); c.1304-11C>G (NM_001352417.1, NM_001077690.1); c.812-11C>G (NM_001352413.1, NM_001352414.2, NM_001077691.2 and 1 more transcripts); c.716-11C>G (NM_001352422.2); c.668-11C>G (NM_001352423.2).
Identifiers: ClinVar variation 667513 (VCV000667513.3), dbSNP rs200609727, ClinGen allele CA228539606.